The following is an entry in ClinVar:

NM_000237.3(LPL):c.1051G>A (p.Gly351Arg)

Gene: LPL (lipoprotein lipase; plus strand). Cytogenetic location: 8p21.3.
Variant type: single nucleotide variant.
Coding change: c.1051G>A on transcript NM_000237.3 (MANE Select); coding-DNA position 1051, G replaced by A.
Protein change: p.Gly351Arg; replaces glycine 351 with arginine.
Molecular consequence: missense variant.
Genome position (GRCh38, 1-based): chr8:19,959,292, G>A. VCF-style: chr8-19959292-G-A. GRCh37 (hg19) VCF-style: chr8-19816803-G-A.
Other names: short protein forms G351R.
Identifiers: ClinVar variation 985671 (VCV000985671.16), dbSNP rs772132247, ClinGen allele CA4655597.
Genomic context (GRCh38, chr8:19,959,292, plus strand): 5'-CAACATGTTCGAATTTCCTCCCCAACAGTCTTCCATTACCAAGTAAAGATTCATTTTTCT[G>A]GGACTGAGAGTGAAACCCATACCAATCAGGCCTTTGAGATTTCTCTGTATGGCACCGTGG-3'
Protein context (NP_000228.1, residues 341-361): FHYQVKIHFS[Gly351Arg]TESETHTNQA

ClinVar aggregate classification (germline): Uncertain significance. Review status: criteria provided, multiple submitters, no conflicts (2 of 4 stars). 5 submissions from 5 submitters: Uncertain significance (4). 1 of the submissions does not count toward it. Last evaluated 2026-05-25.

Conditions:
LPL-related disorder. Also called: LPL-related condition.
Cardiovascular phenotype. Identifiers: MedGen CN230736.
Hyperlipoproteinemia, type I. Also called: Hyperlipoproteinemia type 1; Hyperchylomicro-nemia familial; Familial chylomicronemia; Hyperlipemia idiopathic Burger-Grutz type; Lipase D deficiency; Familial Lipoprotein Lipase Deficiency. Identifiers: Orphanet 309015, Orphanet 444490, MedGen C0023817, MONDO:0009387, OMIM 238600. Disease mechanism: loss of function.

Allele frequency attached by ClinVar (database versions not stated): gnomAD 0.00001; gnomAD exomes 0.00002 and 0.00005; ExAC 0.00003; TOPMed 0.00007.
gnomAD v4.1: 15 of 1,613,882 alleles (0.00093%); highest among the groups gnomAD compares: Admixed American, 0.025%; no homozygotes.

Submissions (5):

PreventionGenetics, part of Exact Sciences
Classification: Uncertain significance for LPL-related condition. Last evaluated: 2026-05-25. Review status: criteria provided, single submitter. Criteria: ACMG Guidelines, 2015. Collection method: clinical testing. Allele origin: germline.
Comment: The LPL c.1051G>A variant is predicted to result in the amino acid substitution p.Gly351Arg. This variant has also been reported in two cohort studies about dyslipidemia (Table S4, Dron et al. 2020. PubMed ID: 32041611; Table S2, Deshotels et al. 2022. PubMed ID: 36325899). This variant is reported in 0.040% of alleles in individuals of Latino descent in gnomAD. At this time, the clinical significance of this variant is uncertain due to the absence of conclusive functional and genetic evidence.

Labcorp Genetics (formerly Invitae), Labcorp
Classification: Uncertain significance. Last evaluated: 2026-01-07. Review status: criteria provided, single submitter. Criteria: Invitae Variant Classification Sherloc (09022015). Collection method: clinical testing. Allele origin: germline.
Comment: This sequence change replaces glycine, which is neutral and non-polar, with arginine, which is basic and polar, at codon 351 of the LPL protein (p.Gly351Arg). This variant is present in population databases (rs772132247, gnomAD 0.03%). This missense change has been observed in individual(s) with clinical features of familial chylomicronemia syndrome (PMID: 24793350, 36325899). ClinVar contains an entry for this variant (Variation ID: 985671). Invitae Evidence Modeling of protein sequence and biophysical properties (such as structural, functional, and spatial information, amino acid conservation, physicochemical variation, residue mobility, and thermodynamic stability) indicates that this missense variant is not expected to disrupt LPL protein function with a negative predictive value of 80%. Algorithms developed to predict the effect of sequence changes on RNA splicing suggest that this variant may disrupt the consensus splice site. In summary, the available evidence is currently insufficient to determine the role of this variant in disease. Therefore, it has been classified as a Variant of Uncertain Significance.

Ambry Genetics
Classification: Uncertain significance for Cardiovascular phenotype. Last evaluated: 2025-10-29. Review status: criteria provided, single submitter. Criteria: Ambry Variant Classification Scheme 2023. Collection method: clinical testing. Allele origin: germline.
Comment: The p.G351R variant (also known as c.1051G>A), located in coding exon 7 of the LPL gene, results from a G to A substitution at nucleotide position 1051. The glycine at codon 351 is replaced by arginine, an amino acid with dissimilar properties. This variant was reported as homozygous in hyperlipoproteinemia case with hypertriglyceridemia, history of pancreatitis, and elevated hemoglobin (Chokshi N et al. J Clin Lipidol Feb;8:287-95). This amino acid position is well conserved in available vertebrate species. In addition, the in silico prediction for this alteration is inconclusive. Since supporting evidence is limited at this time, the clinical significance of this alteration remains unclear.

GeneDx
Classification: Uncertain significance. Last evaluated: 2020-12-29. Review status: criteria provided, single submitter. Criteria: GeneDx Variant Classification Process June 2021. Collection method: clinical testing. Allele origin: germline. Affected: yes.
Comment: In silico analysis supports that this missense variant does not alter protein structure/function; Reported in ClinVar but additional evidence is not available (ClinVar Variant ID#985671; Landrum et al., 2016); This variant is associated with the following publications: (PMID: 32041611, 24793350)

Natera, Inc.
Classification: Uncertain significance for Lipoprotein lipase deficiency. Last evaluated: 2020-02-28. Review status: no assertion criteria provided. Collection method: clinical testing. Allele origin: germline. Not counted in ClinVar's aggregate classification.

Literature cited by the submitters: PubMed 24793350 (cited by Labcorp Genetics (formerly Invitae), Labcorp and Ambry Genetics); PubMed 36325899 (cited by Labcorp Genetics (formerly Invitae), Labcorp).